The following is an entry in ClinVar:

ClinVar aggregate classification (germline): Pathogenic/Likely pathogenic. Review status: criteria provided, multiple submitters, no conflicts (2 of 4 stars). 3 submissions from 3 submitters: Pathogenic (1); Likely pathogenic (2). Last evaluated 2023-03-20.

Conditions:
BOLA3-related disorder. Also called: BOLA3-related condition.
Multiple mitochondrial dysfunctions syndrome 2 (MMDS2). Also called: MULTIPLE MITOCHONDRIAL DYSFUNCTIONS SYNDROME 2 WITH HYPERGLYCINEMIA. Identifiers: Orphanet 401874, MedGen C3280378, MONDO:0013675, OMIM 614299.

Allele frequency attached by ClinVar (database versions not stated): gnomAD 0.00001 and 0.00002; ExAC 0.00002; gnomAD exomes 0.00002 and 0.00003; TOPMed 0.00003.
gnomAD v4.1: 49 of 1,611,298 alleles (0.003%); highest among the groups gnomAD compares: Non-Finnish European, 0.004%; no homozygotes.

Submissions (3):

GeneDx
Classification: Pathogenic. Last evaluated: 2023-03-20. Review status: criteria provided, single submitter. Criteria: GeneDx Variant Classification Process June 2021. Collection method: clinical testing. Allele origin: germline. Affected: yes.
Comment: Published functional studies demonstrate a damaging effect (impairs formation hetero-complex of BOLA3 and GLRX5, and perturbs the chemical environment of [2Fe2S]2+cluster) (Saudino G et al., 2021); Not observed at a significant frequency in large population cohorts (gnomAD); In silico analysis supports that this missense variant has a deleterious effect on protein structure/function; This variant is associated with the following publications: (PMID: 34440194, 35803560, 29654549, 34063696)

PreventionGenetics, part of Exact Sciences
Classification: Likely pathogenic for BOLA3-related condition. Last evaluated: 2023-03-18. Review status: criteria provided, single submitter. Criteria: ACMG Guidelines, 2015. Collection method: clinical testing. Allele origin: germline.
Comment: The BOLA3 c.176G>A variant is predicted to result in the amino acid substitution p.Cys59Tyr. This variant has been reported in the compound heterozygous state in an individual with biochemically confirmed severe leucoencephalopathy (Stutterd et al. 2019. PubMed ID: 29654549; Lebigot et al. 2021. PubMed ID: 34440194). In vitro experimental studies and structural modelling suggest this variant impacts protein function (Saudino et al. 2021. PubMed ID: 34063696). This variant is reported in 6 of ~251,000 alleles in gnomAD and is interpreted as pathogenic and likely pathogenic in ClinVar. This variant is interpreted as likely pathogenic.

Bruce Lefroy Centre, Murdoch Childrens Research Institute
Classification: Likely pathogenic for Multiple mitochondrial dysfunctions syndrome 2. Review status: criteria provided, single submitter. Criteria: ACMG Guidelines, 2015. Collection method: research. Allele origin: maternal. Inheritance: Autosomal recessive inheritance. Affected: yes. Observed: 1 variant allele.

NM_212552.3(BOLA3):c.176G>A (p.Cys59Tyr)

Gene: BOLA3 (bolA family member 3; minus strand). Cytogenetic location: 2p13.1.
Variant type: single nucleotide variant.
Coding change: c.176G>A on transcript NM_212552.3 (MANE Select); coding-DNA position 176, G replaced by A.
Protein change: p.Cys59Tyr; replaces cysteine 59 with tyrosine.
Molecular consequence: missense variant. On other transcripts: intron variant (1).
Genome position (GRCh38, 1-based): chr2:74,142,354, C>T on the plus strand (G>A on the coding strand, the complement: BOLA3 is on the minus strand). VCF-style: chr2-74142354-C-T. GRCh37 (hg19) VCF-style: chr2-74369481-C-T.
Other names: c.169+2835G>A (NM_001035505.2); short protein forms C59Y.
Identifiers: ClinVar variation 1189446 (VCV001189446.7), dbSNP rs772014561, ClinGen allele CA1719468.